The following is an entry in ClinVar:

NM_003579.4(RAD54L):c.935T>A (p.Leu312Gln)

Gene: RAD54L (RAD54 like; plus strand). Cytogenetic location: 1p34.1.
Variant type: single nucleotide variant.
Coding change: c.935T>A on transcript NM_003579.4 (MANE Select); coding-DNA position 935, T replaced by A.
Protein change: p.Leu312Gln; replaces leucine 312 with glutamine.
Molecular consequence: missense variant.
Genome position (GRCh38, 1-based): chr1:46,267,502, T>A. VCF-style: chr1-46267502-T-A. GRCh37 (hg19) VCF-style: chr1-46733174-T-A.
Other names: c.935T>A, p.Leu312Gln (NM_001142548.2); c.395T>A, p.Leu132Gln (NM_001370766.1); short protein forms L132Q, L312Q.
Identifiers: ClinVar variation 3223473 (VCV003223473.1), dbSNP rs1019686884, ClinGen allele CA21908320.

ClinVar aggregate classification (germline): Uncertain significance (1 of 4 stars; one submission).

Allele frequency attached by ClinVar (database versions not stated): gnomAD exomes below 0.00001; gnomAD 0.00001; TOPMed 0.00001.
gnomAD v4.1: 3 of 1,614,062 alleles (0.00019%); highest among the groups gnomAD compares: Non-Finnish European, 0.00025%; no homozygotes.

Submission:

Ambry Genetics
Classification: Uncertain significance. Last evaluated: 2023-12-07. Review status: criteria provided, single submitter. Criteria: Ambry Variant Classification Scheme 2023. Collection method: clinical testing. Allele origin: germline.
Comment: The p.L312Q variant (also known as c.935T>A), located in coding exon 9 of the RAD54L gene, results from a T to A substitution at nucleotide position 935. The leucine at codon 312 is replaced by glutamine, an amino acid with dissimilar properties. This amino acid position is conserved. In addition, this alteration is predicted to be deleterious by in silico analysis. Since supporting evidence is limited at this time, the clinical significance of this alteration remains unclear.